The following is an entry in ClinVar:

ClinVar aggregate classification (germline): Pathogenic (1 of 4 stars; one submission).

Conditions:
Nemaline myopathy 2 (NEM2). Also called: Nemaline myopathy 2, autosomal recessive. Identifiers: MedGen C1850569, MONDO:0009725, OMIM 256030.

Submission:

Myriad Genetics, Inc.
Classification: Pathogenic for Nemaline myopathy 2. Last evaluated: 2024-07-25. Review status: criteria provided, single submitter. Criteria: Myriad Autosomal Dominant, Autosomal Recessive and X-Linked Classification Criteria (2023). Collection method: clinical testing. Allele origin: unknown.
Comment: NM_001271208.1(NEB):c.22531delC(L7511Sfs*6) is expected to be pathogenic in the context of NEB-related nemaline myopathy. This variant is predicted to lead to an abnormal or absent protein product due to the creation of a premature termination codon in NEB, a gene where loss-of-function variants are known to be pathogenic. Please note: this variant was assessed in the context of healthy population screening.

NM_001164508.2(NEB):c.22426del (p.Leu7476fs)

Genes: NEB (nebulin; minus strand), RIF1 (replication timing regulatory factor 1; plus strand). Cytogenetic location: 2q23.3.
Variant type: Deletion.
Coding change: c.22426del on transcript NM_001164508.2 (MANE Select); coding-DNA position 22426, one base deleted (C; older notation c.22426delC).
Protein change: p.Leu7476fs; shifts the reading frame from leucine 7476.
Molecular consequence: frameshift variant.
Genome position (GRCh38, 1-based): chr2:151,524,364, G deleted on the plus strand (C on the coding strand, the reverse complement: NEB is on the minus strand). VCF-style (leftmost placement, unchanged base first): chr2-151524363-AG-A. GRCh37 (hg19) VCF-style: chr2-152380877-AG-A.
Other names: c.22426del, p.Leu7476fs (NM_001164507.2); c.22531del, p.Leu7511fs (NM_001271208.2); c.17323del, p.Leu5775fs (NM_004543.5); short protein forms L5775fs, L7476fs, L7511fs.
Identifiers: ClinVar variation 5013358 (VCV005013358.1).
Genomic context (GRCh38, chr2:151,524,363, plus strand): 5'-TGCATTACCTGGCTGCTCAGCTTGGCTGCCTTCTTGGCCATTTCTATGTCTGGGCGACCG[AG>A]CATGCTTAAGCCATGGCTGCCTTCCTTGCGGTGCTTGGCTCTGTACTCCACCTGAATCAG-3'